The following is an entry in ClinVar:

ClinVar aggregate classification (germline): Pathogenic. Review status: reviewed by expert panel (3 of 4 stars). 2 submissions from 2 submitters: Pathogenic (1). 1 of the submissions does not count toward it. Last evaluated 2016-09-08.

Conditions:
Hereditary cancer-predisposing syndrome. Also called: Neoplastic Syndromes, Hereditary; Hereditary Cancer Syndrome; Hereditary neoplastic syndrome; Tumor predisposition. Identifiers: Orphanet 140162, MedGen C0027672, MeSH D009386, MONDO:0015356.
Breast-ovarian cancer, familial, susceptibility to, 2 (BROVCA2). Also called: BRCA2 Hereditary Breast and Ovarian Cancer. Identifiers: Orphanet 145, MedGen C2675520, MONDO:0012933, OMIM 612555. Disease mechanism: loss of function.

Submissions (2):

Evidence-based Network for the Interpretation of Germline Mutant Alleles (ENIGMA)
Classification: Pathogenic for Breast-ovarian cancer, familial, susceptibility to, 2. Last evaluated: 2016-09-08. Review status: reviewed by expert panel. Criteria: ENIGMA BRCA1/2 Classification Criteria (2015). Collection method: curation. Allele origin: germline.
Comment: Variant allele predicted to encode a truncated non-functional protein.

Ambry Genetics
Classification: Pathogenic for Hereditary cancer-predisposing syndrome. Last evaluated: 2014-02-13. Review status: criteria provided, single submitter. Criteria: Ambry Autosomal Dominant and X-Linked criteria (10/2015). Collection method: clinical testing. Allele origin: germline. Observed: 1 variant allele. Not counted in ClinVar's aggregate classification.
Comment: Ã¢â‚¬â€¹The c.7855dupT pathogenic mutation (also known as 8083dupT), located in coding exon 16 of the BRCA2 gene, results from a duplication of one nucleotide at position 7855, causing a translational frameshift with a predicted alternate stop codon. Since frameshifts are typically deleterious in nature, this alteration is interpreted as a disease-causing mutation (ACMG Recommendations for Standards for Interpretation and Reporting of Sequence Variations. Revision 2007. Genet Med. 2008;10:294).

NM_000059.4(BRCA2):c.7855dup (p.Trp2619fs)

Gene: BRCA2 (BRCA2 DNA repair associated; plus strand). Cytogenetic location: 13q13.1.
Variant type: Duplication.
Coding change: c.7855dup on transcript NM_000059.4 (MANE Select); coding-DNA position 7855, one base duplicated (T; older notation c.7855dupT).
Protein change: p.Trp2619fs; shifts the reading frame from tryptophan 2619.
Molecular consequence: frameshift variant.
Genome position (GRCh38, 1-based): chr13:32,362,572, T duplicated; the last of 3 consecutive T bases (chr13:32,362,570-32,362,572); duplicating any one gives the same sequence. VCF-style (leftmost placement, unchanged base first): chr13-32362569-A-AT. GRCh37 (hg19) VCF-style: chr13-32936706-A-AT.
Other names: c.7855dupT (NM_000059.3); short protein forms W2619fs.
Identifiers: ClinVar variation 141334 (VCV000141334.6), dbSNP rs587781665, ClinGen allele CA165137.